The following is an entry in ClinVar:

NM_000666.3(ACY1):c.961A>G (p.Asn321Asp)

Genes: ABHD14A-ACY1 (ABHD14A-ACY1 readthrough; plus strand), ACY1 (aminoacylase 1; plus strand). Cytogenetic location: 3p21.2.
Variant type: single nucleotide variant.
Coding change: c.961A>G on transcript NM_000666.3 (MANE Select); coding-DNA position 961, A replaced by G.
Protein change: p.Asn321Asp; replaces asparagine 321 with aspartic acid.
Molecular consequence: missense variant.
Genome position (GRCh38, 1-based): chr3:51,988,563, A>G. VCF-style: chr3-51988563-A-G. GRCh37 (hg19) VCF-style: chr3-52022579-A-G.
Other names: c.1231A>G, p.Asn411Asp (NM_001316331.2); c.961A>G, p.Asn321Asp (NM_001198895.2); c.745A>G, p.Asn249Asp (NM_001198896.2); c.766A>G, p.Asn256Asp (NM_001198897.2); c.856A>G, p.Asn286Asp (NM_001198898.2); short protein forms N411D, N249D, N321D, N256D, N286D.
Identifiers: ClinVar variation 1972793 (VCV001972793.2), dbSNP rs1033344901, ClinGen allele CA353093352.
Genomic context (GRCh38, chr3:51,988,563, plus strand): 5'-GCCATTCTTCCTGTCCCTCAGAAGTGGATGCACCCCCAAGTGACACCTACTGATGACTCA[A>G]ACCCTTGGTGGGCAGCTTTTAGCCGGGTCTGCAAGGATATGTGAGCACGCTGGCCAGCTC-3'
Protein context (NP_000657.1, residues 311-331): HPQVTPTDDS[Asn321Asp]PWWAAFSRVC

ClinVar aggregate classification (germline): Uncertain significance (1 of 4 stars; one submission).

Allele frequency attached by ClinVar (database versions not stated): gnomAD 0.00001.
gnomAD v4.1: 2 of 1,614,016 alleles (0.00012%); highest among the groups gnomAD compares: Admixed American, 0.0033%; no homozygotes.

Submission:

Labcorp Genetics (formerly Invitae), Labcorp
Classification: Uncertain significance. Last evaluated: 2022-08-21. Review status: criteria provided, single submitter. Criteria: Invitae Variant Classification Sherloc (09022015). Collection method: clinical testing. Allele origin: germline.
Comment: This sequence change replaces asparagine, which is neutral and polar, with aspartic acid, which is acidic and polar, at codon 321 of the ACY1 protein (p.Asn321Asp). This variant is not present in population databases (gnomAD no frequency). This variant has not been reported in the literature in individuals affected with ACY1-related conditions. Algorithms developed to predict the effect of missense changes on protein structure and function output the following: SIFT: "Tolerated"; PolyPhen-2: "Benign"; Align-GVGD: "Class C0". The aspartic acid amino acid residue is found in multiple mammalian species, which suggests that this missense change does not adversely affect protein function. In summary, the available evidence is currently insufficient to determine the role of this variant in disease. Therefore, it has been classified as a Variant of Uncertain Significance.